The following is an entry in ClinVar:

NM_007294.4(BRCA1):c.2402G>A (p.Cys801Tyr)

Gene: BRCA1 (BRCA1 DNA repair associated; minus strand). Cytogenetic location: 17q21.31.
Variant type: single nucleotide variant.
Coding change: c.2402G>A on transcript NM_007294.4 (MANE Select); coding-DNA position 2402, G replaced by A.
Protein change: p.Cys801Tyr; replaces cysteine 801 with tyrosine.
Molecular consequence: missense variant. On other transcripts: intron variant (137).
Genome position (GRCh38, 1-based): chr17:43,093,129, C>T on the plus strand (G>A on the coding strand, the complement: BRCA1 is on the minus strand). VCF-style: chr17-43093129-C-T. GRCh37 (hg19) VCF-style: chr17-41245146-C-T.
Other names: c.2399G>A, p.Cys800Tyr (NM_001407612.1, NM_001407613.1, NM_001407614.1 and 22 more transcripts); c.2402G>A, p.Cys801Tyr (NM_001407616.1, NM_001407617.1, NM_001407618.1 and 30 more transcripts); c.2324G>A, p.Cys775Tyr (NM_001407653.1, NM_001407654.1, NM_001407655.1 and 4 more transcripts); c.2321G>A, p.Cys774Tyr (NM_001407659.1, NM_001407660.1, NM_001407661.1 and 1 more transcripts); c.2276G>A, p.Cys759Tyr (NM_001407672.1, NM_001407673.1, NM_001407691.1 and 11 more transcripts); c.2279G>A, p.Cys760Tyr (NM_001407674.1, NM_001407675.1, NM_001407676.1 and 19 more transcripts); c.2261G>A, p.Cys754Tyr (NM_001407692.1, NM_001407694.1, NM_001407695.1 and 29 more transcripts); c.2258G>A, p.Cys753Tyr (NM_001407740.1, NM_001407741.1, NM_001407742.1 and 20 more transcripts); and 41 more; short protein forms C801Y, C754Y, C505Y, C633Y, C690Y, C712Y, C713Y, C731Y.
Identifiers: ClinVar variation 581709 (VCV000581709.18), dbSNP rs1567795821, ClinGen allele CA10597204.

ClinVar aggregate classification (germline): Conflicting classifications of pathogenicity. Review status: criteria provided, conflicting classifications (1 of 4 stars). 5 submissions from 5 submitters: Uncertain significance (4); Likely benign (1). Last evaluated 2025-07-03.

Conditions:
Hereditary cancer-predisposing syndrome. Also called: Tumor predisposition; Neoplastic Syndromes, Hereditary; Hereditary Cancer Syndrome; Hereditary neoplastic syndrome. Identifiers: Orphanet 140162, MedGen C0027672, MeSH D009386, MONDO:0015356.
Breast-ovarian cancer, familial, susceptibility to, 1 (BROVCA1). Also called: BRCA1 Hereditary Breast and Ovarian Cancer; OVARIAN CANCER, SUSCEPTIBILITY TO. Identifiers: Orphanet 145, MedGen C2676676, MONDO:0011450, OMIM 604370. Disease mechanism: loss of function.
Hereditary breast ovarian cancer syndrome. Also called: Hereditary breast and ovarian cancer; Hereditary breast and ovarian cancer syndrome; Hereditary breast and ovarian cancer syndrome (HBOC); Breast and ovarian cancer; BRCA1- and BRCA2-Associated Hereditary Breast and Ovarian Cancer; Hereditary breast and/or ovarian cancer syndrome. Identifiers: Orphanet 145, MedGen C0677776, MeSH D061325, MONDO:0003582. Disease mechanism: loss of function.

gnomAD v4.1: 2 of 1,613,580 alleles (0.00012%); highest among the groups gnomAD compares: African/African-American, 0.0013%; no homozygotes.

Submissions (5):

Ambry Genetics
Classification: Uncertain significance for Hereditary cancer-predisposing syndrome. Last evaluated: 2025-07-03. Review status: criteria provided, single submitter. Criteria: Ambry Variant Classification Scheme 2023. Collection method: clinical testing. Allele origin: germline.
Comment: The p.C801Y variant (also known as c.2402G>A), located in coding exon 9 of the BRCA1 gene, results from a G to A substitution at nucleotide position 2402. The cysteine at codon 801 is replaced by tyrosine, an amino acid with highly dissimilar properties. This amino acid position is not well conserved in available vertebrate species. In addition, this alteration is predicted to be tolerated by in silico analysis. Since supporting evidence is limited at this time, the clinical significance of this alteration remains unclear.

Labcorp Genetics (formerly Invitae), Labcorp
Classification: Uncertain significance for Hereditary breast ovarian cancer syndrome. Last evaluated: 2024-09-06. Review status: criteria provided, single submitter. Criteria: Invitae Variant Classification Sherloc (09022015). Collection method: clinical testing. Allele origin: germline.
Comment: This sequence change replaces cysteine, which is neutral and slightly polar, with tyrosine, which is neutral and polar, at codon 801 of the BRCA1 protein (p.Cys801Tyr). This variant is not present in population databases (gnomAD no frequency). This variant has not been reported in the literature in individuals affected with BRCA1-related conditions. ClinVar contains an entry for this variant (Variation ID: 581709). Invitae Evidence Modeling of protein sequence and biophysical properties (such as structural, functional, and spatial information, amino acid conservation, physicochemical variation, residue mobility, and thermodynamic stability) indicates that this missense variant is not expected to disrupt BRCA1 protein function with a negative predictive value of 95%. In summary, the available evidence is currently insufficient to determine the role of this variant in disease. Therefore, it has been classified as a Variant of Uncertain Significance.

All of Us Research Program, National Institutes of Health
Classification: Uncertain significance for Breast-ovarian cancer, familial, susceptibility to, 1. Last evaluated: 2023-04-03. Review status: criteria provided, single submitter. Criteria: ACMG Guidelines, 2015. Collection method: clinical testing. Allele origin: germline. Inheritance: Autosomal dominant inheritance. Observed: 1 variant allele, 1 heterozygote.
Comment: This study involves interpretation of variants in research participants for the purpose of population health screening. Participant phenotype was not available at the time of variant classification. Additional details can be found in publication PMID: 35346344, PMCID: PMC8962531

University of Washington Department of Laboratory Medicine, University of Washington
Classification: Likely benign for Hereditary cancer-predisposing syndrome. Last evaluated: 2023-03-23. Review status: criteria provided, single submitter. Criteria: Dines et al. (Genet Med. 2020). Collection method: curation. Allele origin: germline.
Comment: Missense variant in a coldspot region where missense variants are very unlikely to be pathogenic (PMID:31911673).

BRCA1 coldspot (exon 11 using historical exon numbering). Reclassification based on statistical prior probability

Color Diagnostics, LLC DBA Color Health
Classification: Uncertain significance for Hereditary cancer-predisposing syndrome. Last evaluated: 2019-06-15. Review status: criteria provided, single submitter. Criteria: ACMG Guidelines, 2015. Collection method: clinical testing. Allele origin: germline.